The following is an entry in ClinVar:

ClinVar aggregate classification (germline): Uncertain significance (1 of 4 stars; one submission).

Conditions:
Hypertrophic cardiomyopathy. Also called: HYPERTROPHIC MYOCARDIOPATHY. Identifiers: Orphanet 217569, MedGen C0007194, MeSH D002312, MONDO:0005045, HP:0001639.

Allele frequency attached by ClinVar (database versions not stated): gnomAD exomes below 0.00001; 1000 Genomes Project 30x 0.00016.

Submission:

Labcorp Genetics (formerly Invitae), Labcorp
Classification: Uncertain significance for Hypertrophic cardiomyopathy. Last evaluated: 2022-03-09. Review status: criteria provided, single submitter. Criteria: Invitae Variant Classification Sherloc (09022015). Collection method: clinical testing. Allele origin: germline.
Comment: This variant is not present in population databases (gnomAD no frequency). This sequence change replaces threonine, which is neutral and polar, with isoleucine, which is neutral and non-polar, at codon 678 of the MYH7 protein (p.Thr678Ile). This variant has not been reported in the literature in individuals affected with MYH7-related conditions. In summary, the available evidence is currently insufficient to determine the role of this variant in disease. Therefore, it has been classified as a Variant of Uncertain Significance. This variant is found within a region of MYH7 between codons 181 and 937 that contains the majority of the myosin head domain. Missense variants in this region have been shown to be significantly overrepresented in individuals with hypertrophic cardiomyopathy (PMID: 27532257). Algorithms developed to predict the effect of missense changes on protein structure and function are either unavailable or do not agree on the potential impact of this missense change (SIFT: "Deleterious"; PolyPhen-2: "Possibly Damaging"; Align-GVGD: "Class C15"). ClinVar contains an entry for this variant (Variation ID: 940307).

Literature cited by the submitters: PubMed 27532257.

NM_000257.4(MYH7):c.2033C>T (p.Thr678Ile)

Gene: MYH7 (myosin heavy chain 7; minus strand). Cytogenetic location: 14q11.2.
Variant type: single nucleotide variant.
Coding change: c.2033C>T on transcript NM_000257.4 (MANE Select); coding-DNA position 2033, C replaced by T.
Protein change: p.Thr678Ile; replaces threonine 678 with isoleucine.
Molecular consequence: missense variant.
Genome position (GRCh38, 1-based): chr14:23,426,788, G>A on the plus strand (C>T on the coding strand, the complement: MYH7 is on the minus strand). VCF-style: chr14-23426788-G-A. GRCh37 (hg19) VCF-style: chr14-23895997-G-A.
Other names: short protein forms T678I.
Identifiers: ClinVar variation 940307 (VCV000940307.10), dbSNP rs1892711103, ClinGen allele CA389049275.